The following is an entry in ClinVar:

ClinVar aggregate classification (germline): Pathogenic (1 of 4 stars; one submission).

Conditions:
Hereditary breast ovarian cancer syndrome. Also called: Hereditary breast and ovarian cancer syndrome; Hereditary breast and ovarian cancer; Hereditary breast and ovarian cancer syndrome (HBOC); Breast and ovarian cancer; Hereditary breast and/or ovarian cancer syndrome; BRCA1- and BRCA2-Associated Hereditary Breast and Ovarian Cancer. Identifiers: Orphanet 145, MedGen C0677776, MeSH D061325, MONDO:0003582. Disease mechanism: loss of function.

Submission:

Labcorp Genetics (formerly Invitae), Labcorp
Classification: Pathogenic for Hereditary breast ovarian cancer syndrome. Last evaluated: 2019-07-24. Review status: criteria provided, single submitter. Criteria: Invitae Variant Classification Sherloc (09022015). Collection method: clinical testing. Allele origin: unknown.
Comment: For these reasons, this variant has been classified as Pathogenic. This deletion is expected to partially remove the C-terminal BRCT domain of the BRCA1 protein, which is important for DNA repair activity (PMID: 14576433, 15133503). A different deleterious variant (p.Tyr1853*) within the deleted sequence of this variant has been shown to disrupt BRCA1 protein function (PMID: 8942979, 20681793, 10811118, 11256609, 17308087), suggesting that although this particular variant may not result in nonsense mediated decay, it is expected to affect BRCA1 protein function. While this variant has not been reported in the literature in individuals with BRCA1-related disease, similar deletions of exon 23 have been reported in individuals with a personal or family history of breast and ovarian cancer (PMID:¬†18431737,¬†24825132, 25428789). A deletion of exon 23 is also known as a deletion of exon 24 in the literature. This variant is a deletion of the genomic region encompassing part of exon 23 (c.5503_*1415del) of the BRCA1 gene. While this deletion is not anticipated to result in nonsense mediated decay, it is expected to create a truncated protein product.

Literature cited by the submitters: PubMed 14576433; PubMed 15133503; PubMed 8942979; PubMed 20681793; PubMed 10811118; PubMed 11256609; PubMed 17308087.

NC_000017.10:g.(?_41196280)_(41197785_?)del

Gene: BRCA1 (BRCA1 DNA repair associated; minus strand). Cytogenetic location: 17q21.31.
Variant type: Deletion.
Identifiers: ClinVar variation 3243012 (VCV003243012.1).